The following is an entry in ClinVar:

NM_001278116.2(L1CAM):c.248G>A (p.Gly83Asp)

Gene: L1CAM (L1 cell adhesion molecule; minus strand). Cytogenetic location: Xq28.
Variant type: single nucleotide variant.
Coding change: c.248G>A on transcript NM_001278116.2 (MANE Select); coding-DNA position 248, G replaced by A.
Protein change: p.Gly83Asp; replaces glycine 83 with aspartic acid.
Molecular consequence: missense variant.
Genome position (GRCh38, 1-based): chrX:153,872,304, C>T on the plus strand (G>A on the coding strand, the complement: L1CAM is on the minus strand). VCF-style: chrX-153872304-C-T. GRCh37 (hg19) VCF-style: chrX-153137759-C-T.
Other names: c.248G>A, p.Gly83Asp (NM_000425.5, NM_024003.3); c.233G>A, p.Gly78Asp (NM_001143963.2); short protein forms G78D, G83D.
Identifiers: ClinVar variation 3622738 (VCV003622738.2).

ClinVar aggregate classification (germline): Uncertain significance (1 of 4 stars; one submission).

Conditions:
Spastic paraplegia. Identifiers: MedGen C0037772, HP:0001258.

gnomAD v4.1: 1 of 1,204,466 alleles (0.000083%); highest among the groups gnomAD compares: African/African-American, 0.0018%; no homozygotes.

Submission:

Labcorp Genetics (formerly Invitae), Labcorp
Classification: Uncertain significance for Spastic paraplegia. Last evaluated: 2024-12-13. Review status: criteria provided, single submitter. Criteria: Invitae Variant Classification Sherloc (09022015). Collection method: clinical testing. Allele origin: germline.
Comment: This sequence change replaces glycine, which is neutral and non-polar, with aspartic acid, which is acidic and polar, at codon 83 of the L1CAM protein (p.Gly83Asp). This variant is not present in population databases (gnomAD no frequency). This variant has not been reported in the literature in individuals affected with L1CAM-related conditions. Invitae Evidence Modeling of protein sequence and biophysical properties (such as structural, functional, and spatial information, amino acid conservation, physicochemical variation, residue mobility, and thermodynamic stability) indicates that this missense variant is not expected to disrupt L1CAM protein function with a negative predictive value of 95%. In summary, the available evidence is currently insufficient to determine the role of this variant in disease. Therefore, it has been classified as a Variant of Uncertain Significance.